The following is an entry in ClinVar:

ClinVar aggregate classification (germline): Uncertain significance (1 of 4 stars; one submission).

Conditions:
Leukocyte adhesion deficiency 1 (LAD1). Also called: LAD 1; Lymphocyte function-associated antigen 1 immunodeficiency; LFA 1 immunodeficiency; LEUKOCYTE ADHESION DEFICIENCY, TYPE I. Identifiers: Orphanet 2968, Orphanet 99842, MedGen C0398738, MONDO:0007293, OMIM 116920.

gnomAD v4.1: 1 of 1,614,200 alleles (0.000062%); highest among the groups gnomAD compares: Non-Finnish European, 0.000085%; no homozygotes.

Submission:

Labcorp Genetics (formerly Invitae), Labcorp
Classification: Uncertain significance for Leukocyte adhesion deficiency 1. Last evaluated: 2024-12-23. Review status: criteria provided, single submitter. Criteria: Invitae Variant Classification Sherloc (09022015). Collection method: clinical testing. Allele origin: germline.
Comment: This sequence change replaces threonine, which is neutral and polar, with isoleucine, which is neutral and non-polar, at codon 82 of the ITGB2 protein (p.Thr82Ile). This variant is not present in population databases (gnomAD no frequency). This variant has not been reported in the literature in individuals affected with ITGB2-related conditions. Invitae Evidence Modeling of protein sequence and biophysical properties (such as structural, functional, and spatial information, amino acid conservation, physicochemical variation, residue mobility, and thermodynamic stability) has been performed for this missense variant. However, the output from this modeling did not meet the statistical confidence thresholds required to predict the impact of this variant on ITGB2 protein function. In summary, the available evidence is currently insufficient to determine the role of this variant in disease. Therefore, it has been classified as a Variant of Uncertain Significance.

NM_000211.5(ITGB2):c.245C>T (p.Thr82Ile)

Gene: ITGB2 (integrin subunit beta 2; minus strand). Cytogenetic location: 21q22.3.
Variant type: single nucleotide variant.
Coding change: c.245C>T on transcript NM_000211.5 (MANE Select); coding-DNA position 245, C replaced by T.
Protein change: p.Thr82Ile; replaces threonine 82 with isoleucine.
Molecular consequence: missense variant.
Genome position (GRCh38, 1-based): chr21:44,906,998, G>A on the plus strand (C>T on the coding strand, the complement: ITGB2 is on the minus strand). VCF-style: chr21-44906998-G-A. GRCh37 (hg19) VCF-style: chr21-46326913-G-A.
Other names: c.245C>T, p.Thr82Ile (NM_001127491.3); c.38C>T, p.Thr13Ile (NM_001303238.2); short protein forms T13I, T82I.
Identifiers: ClinVar variation 3709944 (VCV003709944.2).